The following is an entry in ClinVar:

ClinVar aggregate classification (germline): Uncertain significance (1 of 4 stars; one submission).

Submission:

GeneDx
Classification: Uncertain significance. Last evaluated: 2022-10-24. Review status: criteria provided, single submitter. Criteria: GeneDx Variant Classification Process June 2021. Collection method: clinical testing. Allele origin: germline. Affected: yes.
Comment: Not observed at significant frequency in large population cohorts (gnomAD); In silico analysis supports that this missense variant has a deleterious effect on protein structure/function; Has not been previously published as pathogenic or benign to our knowledge

NM_001012759.3(CTU2):c.731C>T (p.Thr244Ile)

Gene: CTU2 (cytosolic thiouridylase subunit 2; plus strand). Cytogenetic location: 16q24.3.
Variant type: single nucleotide variant.
Coding change: c.731C>T on transcript NM_001012759.3 (MANE Select); coding-DNA position 731, C replaced by T.
Protein change: p.Thr244Ile; replaces threonine 244 with isoleucine.
Molecular consequence: missense variant.
Genome position (GRCh38, 1-based): chr16:88,712,899, C>T. VCF-style: chr16-88712899-C-T. GRCh37 (hg19) VCF-style: chr16-88779307-C-T.
Other names: c.731C>T, p.Thr244Ile (NM_001012762.3); c.944C>T, p.Thr315Ile (NM_001318507.2); c.470C>T, p.Thr157Ile (NM_001318513.2); short protein forms T157I, T244I, T315I.
Identifiers: ClinVar variation 2499783 (VCV002499783.1), dbSNP rs568660732, ClinGen allele CA286397583.